The following is an entry in ClinVar:

NM_016169.4(SUFU):c.1444C>T (p.Pro482Ser)

Gene: SUFU (SUFU negative regulator of hedgehog signaling; plus strand). Cytogenetic location: 10q24.32.
Variant type: single nucleotide variant.
Coding change: c.1444C>T on transcript NM_016169.4 (MANE Select); coding-DNA position 1444, C replaced by T.
Protein change: p.Pro482Ser; replaces proline 482 with serine.
Molecular consequence: missense variant.
Genome position (GRCh38, 1-based): chr10:102,630,144, C>T. VCF-style: chr10-102630144-C-T. GRCh37 (hg19) VCF-style: chr10-104389901-C-T.
Other names: short protein forms P482S.
Identifiers: ClinVar variation 2953442 (VCV002953442.3), dbSNP rs2063824677, ClinGen allele CA377921138.
Genomic context (GRCh38, chr10:102,630,144, plus strand): 5'-TACAGCTGGCCTGAAAAGAAGCTGAAGGTCTCCATCCTGCCTGACGTGGTGTTCGACAGT[C>T]CGCTACACTAGCCTGGGCTGGGCCCTGCAGTGGCCAGCAGGGAGCCCAGCTGCTCCCCAG-3'
Protein context (NP_057253.2, residues 472-484): SILPDVVFDS[Pro482Ser]LH

ClinVar aggregate classification (germline): Uncertain significance (1 of 4 stars; one submission).

Conditions:
Medulloblastoma (MDB). Also called: MEDULLOBLASTOMA PREDISPOSITION SYNDROME; Medulloblastoma, somatic. Identifiers: Orphanet 616, MedGen C0025149, MeSH D008527, MONDO:0007959, OMIM 155255, HP:0002885.
Gorlin syndrome. Also called: Nevoid Basal Cell Carcinoma Syndrome; Basal cell nevus syndrome. Identifiers: Orphanet 377, MedGen C0004779, MONDO:0007187.

Submission:

Labcorp Genetics (formerly Invitae), Labcorp
Classification: Uncertain significance for Gorlin syndrome; Medulloblastoma. Last evaluated: 2025-11-10. Review status: criteria provided, single submitter. Criteria: Invitae Variant Classification Sherloc (09022015). Collection method: clinical testing. Allele origin: germline.
Comment: This sequence change replaces proline, which is neutral and non-polar, with serine, which is neutral and polar, at codon 482 of the SUFU protein (p.Pro482Ser). This variant is not present in population databases (gnomAD no frequency). This variant has not been reported in the literature in individuals affected with SUFU-related conditions. ClinVar contains an entry for this variant (Variation ID: 2953442). An algorithm developed to predict the effect of missense changes on protein structure and function (PolyPhen-2) suggests that this variant is likely to be disruptive. In summary, the available evidence is currently insufficient to determine the role of this variant in disease. Therefore, it has been classified as a Variant of Uncertain Significance.